The following is an entry in ClinVar:

ClinVar aggregate classification (germline): Uncertain significance. Review status: criteria provided, single submitter (1 of 4 stars). 2 submissions from 2 submitters: Uncertain significance (1). 1 of the submissions does not count toward it. Last evaluated 2021-08-27.

Conditions:
Autosomal recessive polycystic kidney disease (ARPKD). Also called: AR polycystic kidney disease. Identifiers: Orphanet 731, Orphanet 8378, MedGen C0085548, MeSH D017044, MONDO:0009889.

Allele frequency attached by ClinVar (database versions not stated): TOPMed below 0.00001.
gnomAD v4.1: 3 of 1,613,134 alleles (0.00019%); highest among the groups gnomAD compares: Non-Finnish European, 0.00025%; no homozygotes.

Submissions (2):

Labcorp Genetics (formerly Invitae), Labcorp
Classification: Uncertain significance for Autosomal recessive polycystic kidney disease. Last evaluated: 2021-08-27. Review status: criteria provided, single submitter. Criteria: Invitae Variant Classification Sherloc (09022015). Collection method: clinical testing. Allele origin: germline.
Comment: This sequence change replaces glycine with arginine at codon 2533 of the PKHD1 protein (p.Gly2533Arg). The glycine residue is highly conserved and there is a moderate physicochemical difference between glycine and arginine. This variant is not present in population databases (ExAC no frequency). This variant has not been reported in the literature in individuals affected with PKHD1-related conditions. Algorithms developed to predict the effect of missense changes on protein structure and function are either unavailable or do not agree on the potential impact of this missense change (SIFT: "Deleterious"; PolyPhen-2: "Probably Damaging"; Align-GVGD: "Class C0"). In summary, the available evidence is currently insufficient to determine the role of this variant in disease. Therefore, it has been classified as a Variant of Uncertain Significance.

Natera, Inc.
Classification: Uncertain significance for Autosomal recessive polycystic kidney disease. Last evaluated: 2019-12-17. Review status: no assertion criteria provided. Collection method: clinical testing. Allele origin: germline. Not counted in ClinVar's aggregate classification.

NM_138694.4(PKHD1):c.7597G>C (p.Gly2533Arg)

Gene: PKHD1 (PKHD1 ciliary IPT domain containing fibrocystin/polyductin; minus strand). Cytogenetic location: 6p12.2.
Variant type: single nucleotide variant.
Coding change: c.7597G>C on transcript NM_138694.4 (MANE Select); coding-DNA position 7597, G replaced by C.
Protein change: p.Gly2533Arg; replaces glycine 2533 with arginine.
Molecular consequence: missense variant.
Genome position (GRCh38, 1-based): chr6:51,867,999, C>G on the plus strand (G>C on the coding strand, the complement: PKHD1 is on the minus strand). VCF-style: chr6-51867999-C-G. GRCh37 (hg19) VCF-style: chr6-51732797-C-G.
Other names: c.7597G>C, p.Gly2533Arg (NM_170724.3); short protein forms G2533R.
Identifiers: ClinVar variation 1039322 (VCV001039322.11), dbSNP rs1246936197, ClinGen allele CA364418807.